The following is an entry in ClinVar:

NM_017671.5(FERMT1):c.1627G>A (p.Val543Met)

Gene: FERMT1 (FERM domain containing kindlin 1; minus strand). Cytogenetic location: 20p12.3.
Variant type: single nucleotide variant.
Coding change: c.1627G>A on transcript NM_017671.5 (MANE Select); coding-DNA position 1627, G replaced by A.
Protein change: p.Val543Met; replaces valine 543 with methionine.
Molecular consequence: missense variant.
Genome position (GRCh38, 1-based): chr20:6,084,131, C>T on the plus strand (G>A on the coding strand, the complement: FERMT1 is on the minus strand). VCF-style: chr20-6084131-C-T. GRCh37 (hg19) VCF-style: chr20-6064778-C-T.
Other names: p.Val543Met; short protein forms V543M.
Identifiers: ClinVar variation 789124 (VCV000789124.17), dbSNP rs76933768, ClinGen allele CA9758073.

ClinVar aggregate classification (germline): Likely benign. Review status: criteria provided, multiple submitters, no conflicts (2 of 4 stars). 4 submissions from 4 submitters: Likely benign (3). 1 of the submissions does not count toward it. Last evaluated 2026-01-30.

Conditions:
FERMT1-related disorder. Also called: FERMT1-related condition.
Kindler syndrome (KNDLRS). Also called: Hereditary acrokeratotic poikiloderma of Weary; Poikiloderma of Kindler; Congenital bullous poikiloderma; Kindler's syndrome; POIKILODERMA, CONGENITAL, WITH BULLAE, WEARY TYPE; POIKILODERMA, HEREDITARY ACROKERATOTIC. Identifiers: Orphanet 2908, Orphanet 306539, MedGen C0406557, MONDO:0008260, OMIM 173650.

Allele frequency attached by ClinVar (database versions not stated): gnomAD 0.00061 and 0.00069; ExAC 0.00080; gnomAD exomes 0.00094; TOPMed 0.00119; 1000 Genomes Project 0.00140; 1000 Genomes Project 30x 0.00141.
gnomAD v4.1: 624 of 1,613,422 alleles (0.039%); highest among the groups gnomAD compares: Admixed American, 0.62%; 2 homozygotes.

Submissions (4):

Labcorp Genetics (formerly Invitae), Labcorp
Classification: Likely benign. Last evaluated: 2026-01-30. Review status: criteria provided, single submitter. Criteria: Invitae Variant Classification Sherloc (09022015). Collection method: clinical testing. Allele origin: germline.

Mayo Clinic Laboratories, Mayo Clinic
Classification: Likely benign. Last evaluated: 2025-07-23. Review status: criteria provided, single submitter. Criteria: ACMG Guidelines, 2015. Collection method: clinical testing. Allele origin: germline. Observed: 1 variant allele.
Comment: BS1

Illumina Laboratory Services, Illumina
Classification: Likely benign for Kindler syndrome. Last evaluated: 2017-06-27. Review status: criteria provided, single submitter. Criteria: ICSL Variant Classification Criteria 13 December 2019. Collection method: clinical testing. Allele origin: germline.
Comment: This variant was observed as part of a predisposition screen in an ostensibly healthy population. A literature search was performed for the gene, cDNA change, and amino acid change (where applicable). Publications were found based on this search. The evidence from the literature, in combination with allele frequency data from public databases where available, was sufficient to determine this variant is unlikely to cause disease. Therefore, this variant is classified as likely benign.

PreventionGenetics, part of Exact Sciences
Classification: Likely benign for FERMT1-related condition. Last evaluated: 2020-03-03. Review status: no assertion criteria provided. Collection method: clinical testing. Allele origin: germline. Not counted in ClinVar's aggregate classification.
Comment: This variant is classified as likely benign based on ACMG/AMP sequence variant interpretation guidelines (Richards et al. 2015 PMID: 25741868, with internal and published modifications).

Literature cited by the submitters: PubMed 28443301 (cited by Mayo Clinic Laboratories, Mayo Clinic and Illumina Laboratory Services, Illumina).